The following is an entry in ClinVar:

NM_001130987.2(DYSF):c.1056G>A (p.Trp352Ter)

Gene: DYSF (dysferlin; plus strand). Cytogenetic location: 2p13.2.
Variant type: single nucleotide variant.
Coding change: c.1056G>A on transcript NM_001130987.2 (MANE Select); coding-DNA position 1056, G replaced by A.
Protein change: p.Trp352Ter; replaces tryptophan 352 with a stop codon.
Molecular consequence: nonsense.
Genome position (GRCh38, 1-based): chr2:71,520,811, G>A. VCF-style: chr2-71520811-G-A. GRCh37 (hg19) VCF-style: chr2-71747941-G-A.
Other names: c.963G>A, p.Trp321Ter (NM_001130455.2, NM_001130983.2, NM_001130984.2 and 1 more transcripts); c.960G>A, p.Trp320Ter (NM_001130976.2, NM_001130977.2, NM_001130978.2 and 1 more transcripts); c.1053G>A, p.Trp351Ter (NM_001130979.2, NM_001130980.2, NM_001130981.2); c.1056G>A, p.Trp352Ter (NM_001130982.2, NM_001130985.2); short protein forms W320*, W321*, W351*, W352*.
Identifiers: ClinVar variation 5013586 (VCV005013586.1).

ClinVar aggregate classification (germline): Pathogenic (1 of 4 stars; one submission).

Conditions:
Autosomal recessive limb-girdle muscular dystrophy. Identifiers: Orphanet 102015, MedGen C2931907, MONDO:0015152.

gnomAD v4.1: 1 of 1,614,050 alleles (0.000062%); highest among the groups gnomAD compares: Non-Finnish European, 0.000085%; no homozygotes.

Submission:

Myriad Genetics, Inc.
Classification: Pathogenic for Autosomal recessive limb-girdle muscular dystrophy. Last evaluated: 2024-09-28. Review status: criteria provided, single submitter. Criteria: Myriad Autosomal Dominant, Autosomal Recessive and X-Linked Classification Criteria (2023). Collection method: clinical testing. Allele origin: unknown.
Comment: NM_003494.3(DYSF):c.960G>A(W320*) is expected to be pathogenic in the context of dysferlinopathy. This variant is predicted to lead to an abnormal or absent protein product due to the creation of a premature termination codon in DYSF, a gene where loss-of-function variants are known to be pathogenic. Please note: this variant was assessed in the context of healthy population screening.